The following is an entry in ClinVar:

ClinVar aggregate classification (germline): Uncertain significance. Review status: criteria provided, multiple submitters, no conflicts (2 of 4 stars). 2 submissions from 2 submitters: Uncertain significance (2). Last evaluated 2025-08-20.

Conditions:
Hereditary cancer-predisposing syndrome. Also called: Hereditary Cancer Syndrome; Tumor predisposition; Hereditary neoplastic syndrome; Neoplastic Syndromes, Hereditary. Identifiers: Orphanet 140162, MedGen C0027672, MeSH D009386, MONDO:0015356.
Familial cancer of breast. Also called: Hereditary breast cancer; hereditary breast carcinoma; BREAST CANCER, FAMILIAL. Identifiers: Orphanet 227535, MedGen C0346153, MONDO:0016419, OMIM 114480. Disease mechanism: loss of function.

Submissions (2):

Ambry Genetics
Classification: Uncertain significance for Hereditary cancer-predisposing syndrome. Last evaluated: 2025-08-20. Review status: criteria provided, single submitter. Criteria: Ambry Variant Classification Scheme 2023. Collection method: clinical testing. Allele origin: germline.
Comment: The p.S39F variant (also known as c.116C>T), located in coding exon 1 of the CHEK2 gene, results from a C to T substitution at nucleotide position 116. The serine at codon 39 is replaced by phenylalanine, an amino acid with highly dissimilar properties. This amino acid position is well conserved in available vertebrate species. In addition, the in silico prediction for this alteration is inconclusive. Based on the available evidence, the clinical significance of this variant remains unclear.

Labcorp Genetics (formerly Invitae), Labcorp
Classification: Uncertain significance for Familial cancer of breast. Last evaluated: 2024-07-24. Review status: criteria provided, single submitter. Criteria: Invitae Variant Classification Sherloc (09022015). Collection method: clinical testing. Allele origin: germline.
Comment: This sequence change replaces serine, which is neutral and polar, with phenylalanine, which is neutral and non-polar, at codon 39 of the CHEK2 protein (p.Ser39Phe). This variant is not present in population databases (gnomAD no frequency). This variant has not been reported in the literature in individuals affected with CHEK2-related conditions. An algorithm developed to predict the effect of missense changes on protein structure and function (PolyPhen-2) suggests that this variant is likely to be tolerated. In summary, the available evidence is currently insufficient to determine the role of this variant in disease. Therefore, it has been classified as a Variant of Uncertain Significance.

NM_007194.4(CHEK2):c.116C>T (p.Ser39Phe)

Gene: CHEK2 (checkpoint kinase 2; minus strand). Cytogenetic location: 22q12.1.
Variant type: single nucleotide variant.
Coding change: c.116C>T on transcript NM_007194.4 (MANE Select); coding-DNA position 116, C replaced by T.
Protein change: p.Ser39Phe; replaces serine 39 with phenylalanine.
Molecular consequence: missense variant.
Genome position (GRCh38, 1-based): chr22:28,734,606, G>A on the plus strand (C>T on the coding strand, the complement: CHEK2 is on the minus strand). VCF-style: chr22-28734606-G-A. GRCh37 (hg19) VCF-style: chr22-29130594-G-A.
Other names: c.116C>T (NM_007194.3); c.116C>T, p.Ser39Phe (NM_001005735.3, NM_001349956.3, NM_145862.3); c.-662C>T (NM_001257387.3); short protein forms S39F.
Identifiers: ClinVar variation 3660473 (VCV003660473.3).
Genomic context (GRCh38, chr22:28,734,606, plus strand): 5'-GTCCCAGAGCTGGAGTGAGAGGACTGGCTGGAGTTTGGCATCGTGCTGGTAGAGGAGCTG[G>A]ATATGCCCTGGGACTGTGAGGAGGAGCCTTGGGACTGGGTAACGCTGCCATGGGGCTGTG-3'
Protein context (NP_009125.1, residues 29-49): QGSSSQSQGI[Ser39Phe]SSSTSTMPNS